The following is an entry in ClinVar:

ClinVar aggregate classification (germline): Likely benign (1 of 4 stars; one submission).

gnomAD v4.1: 53 of 1,557,112 alleles (0.0034%); highest among the groups gnomAD compares: East Asian, 0.027%; no homozygotes.

Submission:

CeGaT Center for Human Genetics Tuebingen
Classification: Likely benign. Last evaluated: 2025-05-01. Review status: criteria provided, single submitter. Criteria: CeGaT Center For Human Genetics Tuebingen Variant Classification Criteria Version 2. Collection method: clinical testing. Allele origin: germline. Affected: yes. Observed: 1 variant allele.
Comment: CEP76: BP4

NM_024899.4(CEP76):c.776C>T (p.Thr259Met)

Genes: CEP76 (centrosomal protein 76; minus strand), PSMG2 (proteasome assembly chaperone 2; plus strand). Cytogenetic location: 18p11.21.
Variant type: single nucleotide variant.
Coding change: c.776C>T on transcript NM_024899.4 (MANE Select); coding-DNA position 776, C replaced by T.
Protein change: p.Thr259Met; replaces threonine 259 with methionine.
Molecular consequence: missense variant. On other transcripts: non-coding transcript variant (1), intron variant (1).
Genome position (GRCh38, 1-based): chr18:12,695,282, G>A on the plus strand (C>T on the coding strand, the complement: CEP76 is on the minus strand). VCF-style: chr18-12695282-G-A. GRCh37 (hg19) VCF-style: chr18-12695281-G-A.
Other names: c.551C>T, p.Thr184Met (NM_001271989.2); c.-36-11268G>A (NM_147163.2); short protein forms T184M, T259M.
Identifiers: ClinVar variation 3905478 (VCV003905478.10).